The following is an entry in ClinVar:

ClinVar aggregate classification (germline): Likely benign (1 of 4 stars; one submission).

Allele frequency attached by ClinVar (database versions not stated): gnomAD exomes below 0.00001 and 0.00001; ExAC 0.00001; TOPMed 0.00001.
gnomAD v4.1: 5 of 1,613,218 alleles (0.00031%); highest among the groups gnomAD compares: East Asian, 0.0067%; no homozygotes.

Submission:

Laboratory for Molecular Medicine, Mass General Brigham Personalized Medicine
Classification: Likely benign. Last evaluated: 2019-09-25. Review status: criteria provided, single submitter. Criteria: LMM Criteria. Collection method: clinical testing. Allele origin: germline. Observed: 1 variant allele.
Comment: The p.Val3855Met variant in ALMS1 is classified as likely benign due to a lack of conservation across species. Over 10 mammals carry a methionine (Met) at this position despite high nearby amino acid conservation. ACMG/AMP Criteria applied: BP4_Strong.

NM_001378454.1(ALMS1):c.11560G>A (p.Val3854Met)

Gene: ALMS1 (ALMS1 centrosome and basal body associated protein; plus strand). Cytogenetic location: 2p13.1.
Variant type: single nucleotide variant.
Coding change: c.11560G>A on transcript NM_001378454.1 (MANE Select); coding-DNA position 11560, G replaced by A.
Protein change: p.Val3854Met; replaces valine 3854 with methionine.
Molecular consequence: missense variant.
Genome position (GRCh38, 1-based): chr2:73,599,413, G>A. VCF-style: chr2-73599413-G-A. GRCh37 (hg19) VCF-style: chr2-73826540-G-A.
Other names: c.11563G>A, p.Val3855Met (NM_015120.4); short protein forms V3854M, V3855M.
Identifiers: ClinVar variation 929963 (VCV000929963.4), dbSNP rs757475077, ClinGen allele CA1715249.